The following is an entry in ClinVar:

NM_017514.5(PLXNA3):c.4857G>A (p.Thr1619=)

Gene: PLXNA3 (plexin A3; plus strand). Cytogenetic location: Xq28.
Variant type: single nucleotide variant.
Coding change: c.4857G>A on transcript NM_017514.5 (MANE Select); coding-DNA position 4857, G replaced by A.
Protein change: p.Thr1619=; no amino-acid change (threonine 1619 retained).
Molecular consequence: synonymous variant.
Genome position (GRCh38, 1-based): chrX:154,470,038, G>A. VCF-style: chrX-154470038-G-A. GRCh37 (hg19) VCF-style: chrX-153698381-G-A.
Identifiers: ClinVar variation 3353920 (VCV003353920.1).

ClinVar aggregate classification (germline): Likely benign (0 of 4 stars; one submission).

Conditions:
PLXNA3-related disorder. Also called: PLXNA3-related condition.

gnomAD v4.1: 2 of 1,211,320 alleles (0.00017%); highest among the groups gnomAD compares: Admixed American, 0.0043%; no homozygotes.

Submission:

PreventionGenetics, part of Exact Sciences
Classification: Likely benign for PLXNA3-related condition. Last evaluated: 2022-04-22. Review status: no assertion criteria provided. Collection method: clinical testing. Allele origin: germline.
Comment: This variant is classified as likely benign based on ACMG/AMP sequence variant interpretation guidelines (Richards et al. 2015 PMID: 25741868, with internal and published modifications).